The following is an entry in ClinVar:

NM_001040108.2(MLH3):c.3229G>T (p.Ala1077Ser)

Gene: MLH3 (mutL homolog 3; minus strand). Cytogenetic location: 14q24.3.
Variant type: single nucleotide variant.
Coding change: c.3229G>T on transcript NM_001040108.2 (MANE Select); coding-DNA position 3229, G replaced by T.
Protein change: p.Ala1077Ser; replaces alanine 1077 with serine.
Molecular consequence: missense variant.
Genome position (GRCh38, 1-based): chr14:75,046,427, C>A on the plus strand (G>T on the coding strand, the complement: MLH3 is on the minus strand). VCF-style: chr14-75046427-C-A. GRCh37 (hg19) VCF-style: chr14-75513130-C-A.
Other names: c.3229G>T, p.Ala1077Ser (NM_014381.3); short protein forms A1077S.
Identifiers: ClinVar variation 3232531 (VCV003232531.1), dbSNP rs1892225225, ClinGen allele CA390434602.

ClinVar aggregate classification (germline): Uncertain significance (1 of 4 stars; one submission).

Submission:

Ambry Genetics
Classification: Uncertain significance. Last evaluated: 2023-12-22. Review status: criteria provided, single submitter. Criteria: Ambry Variant Classification Scheme 2023. Collection method: clinical testing. Allele origin: germline.
Comment: The p.A1077S variant (also known as c.3229G>T), located in coding exon 1 of the MLH3 gene, results from a G to T substitution at nucleotide position 3229. The alanine at codon 1077 is replaced by serine, an amino acid with similar properties. This amino acid position is conserved. In addition, this alteration is predicted to be tolerated by in silico analysis. Since supporting evidence is limited at this time, the clinical significance of this alteration remains unclear.